The following is an entry in ClinVar:

GRCh38/hg38 16p13.3(chr16:239680-589745)x3

Genes: ARHGDIG (Rho GDP dissociation inhibitor gamma; plus strand), AXIN1 (axin 1; minus strand), CAPN15 (calpain 15; plus strand), DECR2 (2,4-dienoyl-CoA reductase 2; plus strand), FAM234A (family with sequence similarity 234 member A; plus strand) and 31 more. Cytogenetic location: 16p13.3.
Variant type: copy number gain.
Change: copy number 3 (three copies instead of two) of chr16:239,680-589,745 (350.1 kb, GRCh38 coordinates, 1-based), cytogenetic band 16p13.3.
Identifiers: ClinVar variation 58598 (VCV000058598.3).

ClinVar aggregate classification (germline): Pathogenic (1 of 4 stars; one submission).

Submission:

ISCA Site 6
Classification: Pathogenic. Last evaluated: 2011-08-12. Review status: criteria provided, single submitter. Criteria: Kaminsky et al. (Genet Med. 2011). Collection method: clinical testing. Allele origin: unknown. Affected: yes. Observed: 1 variant allele.
Comment: Copy number variation identified through the course of routine clinical cytogenomic testing in postnatal populations. Clinical assertions have been curated as described in Kaminsky et al. 2011.